The following is an entry in ClinVar:

NM_152419.3(HGSNAT):c.1643C>T (p.Ser548Phe)

Gene: HGSNAT (heparan-alpha-glucosaminide N-acetyltransferase; plus strand). Cytogenetic location: 8p11.21.
Variant type: single nucleotide variant.
Coding change: c.1643C>T on transcript NM_152419.3 (MANE Select); coding-DNA position 1643, C replaced by T.
Protein change: p.Ser548Phe; replaces serine 548 with phenylalanine.
Molecular consequence: missense variant.
Genome position (GRCh38, 1-based): chr8:43,197,869, C>T. VCF-style: chr8-43197869-C-T. GRCh37 (hg19) VCF-style: chr8-43053012-C-T.
Other names: c.1730C>T, p.Ser577Phe (NM_001363227.2); c.1451C>T, p.Ser484Phe (NM_001363228.2); c.779C>T, p.Ser260Phe (NM_001363229.2); short protein forms S260F, S484F, S548F, S577F.
Identifiers: ClinVar variation 1000514 (VCV001000514.2), dbSNP rs1804778997, ClinGen allele CA371120663.

ClinVar aggregate classification (germline): Uncertain significance (1 of 4 stars; one submission).

Conditions:
Mucopolysaccharidosis, MPS-III-C (MPS3C). Also called: MPS IIIC (Sanfilippo Syndrome Type C); MUCOPOLYSACCHARIDOSIS, TYPE IIIC; Mucopolysaccharidosis type IIIC (Sanfilippo C); mucopolysaccharidosis type 3C; SANFILIPPO SYNDROME C; MPS III C. Identifiers: Orphanet 581, Orphanet 79271, MedGen C0086649, MONDO:0009657, OMIM 252930.
Retinitis pigmentosa 73 (RP73). Identifiers: Orphanet 791, MedGen C4225287, MONDO:0014687, OMIM 616544.

Submission:

Labcorp Genetics (formerly Invitae), Labcorp
Classification: Uncertain significance for Retinitis pigmentosa 73; Mucopolysaccharidosis, MPS-III-C. Last evaluated: 2021-08-31. Review status: criteria provided, single submitter. Criteria: Invitae Variant Classification Sherloc (09022015). Collection method: clinical testing. Allele origin: germline.
Comment: This sequence change replaces serine with phenylalanine at codon 548 of the HGSNAT protein (p.Ser548Phe). The serine residue is moderately conserved and there is a large physicochemical difference between serine and phenylalanine. This variant is not present in population databases (ExAC no frequency). This variant has not been reported in the literature in individuals affected with HGSNAT-related conditions. Algorithms developed to predict the effect of missense changes on protein structure and function output the following: SIFT: "Tolerated"; PolyPhen-2: "Benign"; Align-GVGD: "Class C15". The phenylalanine amino acid residue is found in multiple mammalian species, which suggests that this missense change does not adversely affect protein function. In summary, the available evidence is currently insufficient to determine the role of this variant in disease. Therefore, it has been classified as a Variant of Uncertain Significance.